The following is an entry in ClinVar:

NM_000329.3(RPE65):c.354-2A>G

Gene: RPE65 (retinoid isomerohydrolase RPE65; minus strand). Cytogenetic location: 1p31.3.
Variant type: single nucleotide variant.
Coding change: c.354-2A>G on transcript NM_000329.3 (MANE Select); the canonical splice acceptor site of the intron before coding-DNA position 354, A replaced by G.
Molecular consequence: splice acceptor variant.
Genome position (GRCh38, 1-based): chr1:68,444,674, T>C on the plus strand (A>G on the coding strand, the complement: RPE65 is on the minus strand). VCF-style: chr1-68444674-T-C. GRCh37 (hg19) VCF-style: chr1-68910357-T-C.
Other names: c.78-2A>G (NM_001406857.1, NM_001406856.1); c.246-2A>G (NM_001406853.1); c.354-2A>G (NM_001406859.1, NM_001406860.1, NM_000329.2).
Identifiers: ClinVar variation 2678439 (VCV002678439.3), dbSNP rs2523445043, ClinGen allele CA340748044.

ClinVar aggregate classification (germline): Pathogenic. Review status: reviewed by expert panel (3 of 4 stars). 3 submissions from 3 submitters: Pathogenic (1). 2 of the submissions do not count toward it. Last evaluated 2024-07-23.

Conditions:
Leber congenital amaurosis (LCA). Also called: Leber's amaurosis. Identifiers: Orphanet 65, MedGen C0339527, MeSH D057130, MONDO:0018998.
RPE65-related recessive retinopathy. Also called: Recessive RPE65 retinopathy. Identifiers: MedGen CN305526, MONDO:0100368.
Leber congenital amaurosis 2 (LCA2). Also called: Autosomal Recessive RPE65-Related Retinal Degeneration; AMAUROSIS CONGENITA OF LEBER II. Identifiers: Orphanet 65, MedGen C1859844, MONDO:0008765, OMIM 204100. Disease mechanism: loss of function.

Submissions (3):

ClinGen Leber Congenital Amaurosis/early Onset Retinal Dystrophy Variant Curation Expert Panel, ClinGen
Classification: Pathogenic for RPE65-related recessive retinopathy. Last evaluated: 2024-07-23. Review status: reviewed by expert panel. Criteria: ClinGen LCAeoRD ACMG Specifications RPE65 V1.0.0. Collection method: curation. Allele origin: germline. Inheritance: Autosomal recessive inheritance.
Comment: NM_000329.3(RPE65):c.354-2A>G is a canonical splice site variant in intron 4 and is predicted to lead to skipping of a critical exon in which missense variants have previously been established as a mechanism of disease (PVS1). This variant is absent from gnomAD v4.1.0 (PM2_Supporting). This variant has been reported in a proband with early-onset severe retinal dystrophy who was compound heterozygous with the NM_000329.3(RPE65):c.1338G>T (p.Arg446Ser) variant confirmed in trans, which was previously classified pathogenic by the ClinGen LCA / eoRD VCEP (1 total point, PMID: 33952291, PM3). This proband exhibits a phenotype including onset at birth (1 pt), extinguished electroretinogram responses from both rods (0.5 pts) and cones (1 pt), nystagmus (1 pt), and bone spicules/clumped pigment (0.5 pts), which together are specific for RPE65-related recessive retinopathy (total 4 points, PMID: 33952291, PP4). This variant has been reported to segregate with childhood-onset severe retinal dystrophy through the proband plus 1 similarly affected relative, with the variant present in the compound heterozygous state (PMID: 33952291, PP1). In summary, this variant meets the criteria to be classified as pathogenic for RPE65-related recessive retinopathy based on the ACMG/AMP criteria applied, as specified by the ClinGen LCA / eoRD VCEP: PVS1, PM2_Supporting, PM3, PP1, and PP4. (VCEP specifications version 1.0.0; date of approval 09/21/2023).

Natera, Inc.
Classification: Pathogenic for Leber congenital amaurosis. Last evaluated: 2025-10-20. Review status: criteria provided, single submitter. Criteria: Natera Variant Classification Schema (03/2026). Collection method: clinical testing. Allele origin: germline. Not counted in ClinVar's aggregate classification.
Comment: The c.354-2A>G variant in RPE65 is a canonical splice acceptor site variant predicted to affect pre-mRNA splicing, which may result in an abnormal transcript and altered protein product. This variant is expected to result in nonsense mediated decay, truncation, or a dysfunctional protein product. This variant is rare in the general population with a frequency below the threshold expected for the associated phenotype(s). This variant has been observed in one or more individuals affected with the associated recessive disease, as either homozygous or compound heterozygous with a second variant (PMID: 36729443). Given the available evidence, this variant is classified as Pathogenic.

Baylor Genetics
Classification: Pathogenic for Leber congenital amaurosis 2. Last evaluated: 2023-05-23. Review status: criteria provided, single submitter. Criteria: ACMG Guidelines, 2015. Collection method: clinical testing. Allele origin: unknown. Not counted in ClinVar's aggregate classification.

Literature cited by the submitters: PubMed 36729443 (cited by Natera, Inc.).